The following is an entry in ClinVar:

NM_006767.4(LZTR1):c.2338G>A (p.Ala780Thr)

Gene: LZTR1 (leucine zipper like post translational regulator 1; plus strand). Cytogenetic location: 22q11.21.
Variant type: single nucleotide variant.
Coding change: c.2338G>A on transcript NM_006767.4 (MANE Select); coding-DNA position 2338, G replaced by A.
Protein change: p.Ala780Thr; replaces alanine 780 with threonine.
Molecular consequence: missense variant.
Genome position (GRCh38, 1-based): chr22:20,996,898, G>A. VCF-style: chr22-20996898-G-A. GRCh37 (hg19) VCF-style: chr22-21351187-G-A.
Other names: c.2338G>A (NM_006767.3); short protein forms A780T.
Identifiers: ClinVar variation 3674369 (VCV003674369.3).

ClinVar aggregate classification (germline): Uncertain significance. Review status: criteria provided, multiple submitters, no conflicts (2 of 4 stars). 2 submissions from 2 submitters: Uncertain significance (2). Last evaluated 2025-04-14.

Conditions:
Cardiovascular phenotype. Identifiers: MedGen CN230736.
Hereditary cancer-predisposing syndrome. Also called: Neoplastic Syndromes, Hereditary; Tumor predisposition; Hereditary Cancer Syndrome; Hereditary neoplastic syndrome. Identifiers: Orphanet 140162, MedGen C0027672, MeSH D009386, MONDO:0015356.

gnomAD v4.1: 2 of 1,612,290 alleles (0.00012%); highest among the groups gnomAD compares: East Asian, 0.0022%; no homozygotes.

Submissions (2):

Ambry Genetics
Classification: Uncertain significance for Cardiovascular phenotype; Hereditary cancer-predisposing syndrome. Last evaluated: 2025-04-14. Review status: criteria provided, single submitter. Criteria: Ambry Variant Classification Scheme 2023. Collection method: clinical testing. Allele origin: germline.
Comment: The p.A780T variant (also known as c.2338G>A), located in coding exon 20 of the LZTR1 gene, results from a G to A substitution at nucleotide position 2338. The alanine at codon 780 is replaced by threonine, an amino acid with similar properties. This amino acid position is conserved. In addition, this alteration is predicted to be deleterious by in silico analysis. Based on the available evidence, the clinical significance of this variant remains unclear.

Labcorp Genetics (formerly Invitae), Labcorp
Classification: Uncertain significance. Last evaluated: 2024-02-19. Review status: criteria provided, single submitter. Criteria: Invitae Variant Classification Sherloc (09022015). Collection method: clinical testing. Allele origin: germline.
Comment: This sequence change replaces alanine, which is neutral and non-polar, with threonine, which is neutral and polar, at codon 780 of the LZTR1 protein (p.Ala780Thr). This variant is present in population databases (rs777131276, gnomAD 0.006%). This variant has not been reported in the literature in individuals affected with LZTR1-related conditions. Advanced modeling of protein sequence and biophysical properties (such as structural, functional, and spatial information, amino acid conservation, physicochemical variation, residue mobility, and thermodynamic stability) performed at Invitae indicates that this missense variant is not expected to disrupt LZTR1 protein function with a negative predictive value of 80%. In summary, the available evidence is currently insufficient to determine the role of this variant in disease. Therefore, it has been classified as a Variant of Uncertain Significance.